The following is an entry in ClinVar:

NM_000051.4(ATM):c.7357_7365del (p.Arg2453_Leu2455del)

Genes: ATM (ATM serine/threonine kinase; plus strand), C11orf65 (chromosome 11 open reading frame 65; minus strand). Cytogenetic location: 11q22.3.
Variant type: Deletion.
Coding change: c.7357_7365del on transcript NM_000051.4 (MANE Select); coding-DNA positions 7357 to 7365, 9 bases deleted (CGTGCACTG; older notation c.7357_7365delCGTGCACTG).
Protein change: p.Arg2453_Leu2455del.
Molecular consequence: inframe deletion. On other transcripts: intron variant (2).
Genome position (GRCh38, 1-based): chr11:108,330,263-108,330,271, CGTGCACTG deleted; deleting any 9 consecutive bases within chr11:108,330,260-108,330,271 gives the same sequence; the c. name uses the placement nearest the transcript's 3' end. VCF-style (leftmost placement, unchanged base first): chr11-108330259-CCTGCGTGCA-C. GRCh37 (hg19) VCF-style: chr11-108200986-CCTGCGTGCA-C.
Other names: c.7357_7365del, p.Arg2453_Leu2455del (NM_001351834.2); c.641-21197_641-21189del (NM_001330368.2); c.*38+4952_*38+4960del (NM_001351110.2).
Identifiers: ClinVar variation 2763512 (VCV002763512.3), dbSNP rs2547261268, ClinGen allele CA2697556952.

ClinVar aggregate classification (germline): Uncertain significance (1 of 4 stars; one submission).

Conditions:
Ataxia-telangiectasia syndrome (AT). Also called: LOUIS-BAR SYNDROME; Cerebello-oculocutaneous telangiectasia; Immunodeficiency with ataxia telangiectasia; Ataxia telangiectasia (A-T); Ataxia-telangiectasia, complementation group D; AT, COMPLEMENTATION GROUP C. Identifiers: Orphanet 100, MedGen C0004135, MONDO:0008840, OMIM 208900.

Submission:

Labcorp Genetics (formerly Invitae), Labcorp
Classification: Uncertain significance for Ataxia-telangiectasia syndrome. Last evaluated: 2023-09-26. Review status: criteria provided, single submitter. Criteria: Invitae Variant Classification Sherloc (09022015). Collection method: clinical testing. Allele origin: germline.
Comment: This variant, c.7357_7365del, results in the deletion of 3 amino acid(s) of the ATM protein (p.Arg2453_Leu2455del), but otherwise preserves the integrity of the reading frame. This variant is not present in population databases (gnomAD no frequency). This variant has not been reported in the literature in individuals affected with ATM-related conditions. Experimental studies and prediction algorithms are not available or were not evaluated, and the functional significance of this variant is currently unknown. In summary, the available evidence is currently insufficient to determine the role of this variant in disease. Therefore, it has been classified as a Variant of Uncertain Significance.